The following is an entry in ClinVar:

ClinVar aggregate classification (germline): Uncertain significance (1 of 4 stars; one submission).

gnomAD v4.1: 1 of 1,605,202 alleles (0.000062%); highest among the groups gnomAD compares: Non-Finnish European, 0.000085%; no homozygotes.

Submission:

Labcorp Genetics (formerly Invitae), Labcorp
Classification: Uncertain significance. Last evaluated: 2025-07-29. Review status: criteria provided, single submitter. Criteria: Invitae Variant Classification Sherloc (09022015). Collection method: clinical testing. Allele origin: germline.
Comment: This sequence change replaces serine, which is neutral and polar, with arginine, which is basic and polar, at codon 51 of the NTHL1 protein (p.Ser51Arg). This variant is not present in population databases (gnomAD no frequency). This variant has not been reported in the literature in individuals affected with NTHL1-related conditions. ClinVar contains an entry for this variant (Variation ID: 1024350). An algorithm developed to predict the effect of missense changes on protein structure and function outputs the following: PolyPhen-2: "Benign". The arginine amino acid residue is found in multiple mammalian species, which suggests that this missense change does not adversely affect protein function. In summary, the available evidence is currently insufficient to determine the role of this variant in disease. Therefore, it has been classified as a Variant of Uncertain Significance.

NM_002528.7(NTHL1):c.129C>G (p.Ser43Arg)

Gene: NTHL1 (nth like DNA glycosylase 1; minus strand). Cytogenetic location: 16p13.3.
Variant type: single nucleotide variant.
Coding change: c.129C>G on transcript NM_002528.7 (MANE Select); coding-DNA position 129, C replaced by G.
Protein change: p.Ser43Arg; replaces serine 43 with arginine.
Molecular consequence: missense variant. On other transcripts: 5 prime UTR variant (1).
Genome position (GRCh38, 1-based): chr16:2,046,353, G>C on the plus strand (C>G on the coding strand, the complement: NTHL1 is on the minus strand). VCF-style: chr16-2046353-G-C. GRCh37 (hg19) VCF-style: chr16-2096354-G-C.
Other names: c.129C>G, p.Ser43Arg (NM_001318193.2); c.-50C>G (NM_001318194.2); short protein forms S43R.
Identifiers: ClinVar variation 1024350 (VCV001024350.7), dbSNP rs1004057524, ClinGen allele CA394298056.